The following is an entry in ClinVar:

NM_000075.4(CDK4):c.261C>T (p.Ile87=)

Gene: CDK4 (cyclin dependent kinase 4; minus strand). Cytogenetic location: 12q14.1.
Variant type: single nucleotide variant.
Coding change: c.261C>T on transcript NM_000075.4 (MANE Select); coding-DNA position 261, C replaced by T.
Protein change: p.Ile87=; no amino-acid change (isoleucine 87 retained).
Molecular consequence: synonymous variant.
Genome position (GRCh38, 1-based): chr12:57,751,300, G>A on the plus strand (C>T on the coding strand, the complement: CDK4 is on the minus strand). VCF-style: chr12-57751300-G-A. GRCh37 (hg19) VCF-style: chr12-58145083-G-A.
Identifiers: ClinVar variation 414920 (VCV000414920.13), dbSNP rs779482890, ClinGen allele CA6657851.

ClinVar aggregate classification (germline): Benign/Likely benign. Review status: criteria provided, multiple submitters, no conflicts (2 of 4 stars). 3 submissions from 3 submitters: Benign (1); Likely benign (2). Last evaluated 2024-09-25.

Conditions:
Familial melanoma. Also called: Hereditary melanoma; Hereditary cutaneous melanoma. Identifiers: Orphanet 618, MedGen C1512419, MONDO:0018961.
Hereditary cancer-predisposing syndrome. Also called: Tumor predisposition; Neoplastic Syndromes, Hereditary; Hereditary neoplastic syndrome; Hereditary Cancer Syndrome. Identifiers: Orphanet 140162, MedGen C0027672, MeSH D009386, MONDO:0015356.
Melanoma, cutaneous malignant, susceptibility to, 3. Also called: Cutaneous malignant melanoma 3. Identifiers: Orphanet 618, MedGen C1836892, MONDO:0012183, OMIM 609048.

Allele frequency attached by ClinVar (database versions not stated): gnomAD exomes below 0.00001; ExAC 0.00001.

Submissions (3):

Myriad Genetics, Inc.
Classification: Benign for Melanoma, cutaneous malignant, susceptibility to, 3. Last evaluated: 2024-09-25. Review status: criteria provided, single submitter. Criteria: Myriad Autosomal Dominant, Autosomal Recessive and X-Linked Classification Criteria (2023). Collection method: clinical testing. Allele origin: unknown.
Comment: This variant is considered benign. This variant is a silent/synonymous amino acid change and it is not expected to impact splicing.

Ambry Genetics
Classification: Likely benign for Hereditary cancer-predisposing syndrome. Last evaluated: 2024-09-01. Review status: criteria provided, single submitter. Criteria: Ambry Variant Classification Scheme 2023. Collection method: clinical testing. Allele origin: germline.

Labcorp Genetics (formerly Invitae), Labcorp
Classification: Likely benign for Familial melanoma. Last evaluated: 2024-08-22. Review status: criteria provided, single submitter. Criteria: Invitae Variant Classification Sherloc (09022015). Collection method: clinical testing. Allele origin: germline.